The following is an entry in ClinVar:

NM_017617.5(NOTCH1):c.4205C>T (p.Thr1402Ile)

Gene: NOTCH1 (notch receptor 1; minus strand). Cytogenetic location: 9q34.3.
Variant type: single nucleotide variant.
Coding change: c.4205C>T on transcript NM_017617.5 (MANE Select); coding-DNA position 4205, C replaced by T.
Protein change: p.Thr1402Ile; replaces threonine 1402 with isoleucine.
Molecular consequence: missense variant.
Genome position (GRCh38, 1-based): chr9:136,505,691, G>A on the plus strand (C>T on the coding strand, the complement: NOTCH1 is on the minus strand). VCF-style: chr9-136505691-G-A. GRCh37 (hg19) VCF-style: chr9-139400143-G-A.
Other names: short protein forms T1402I.
Identifiers: ClinVar variation 3691305 (VCV003691305.2).

ClinVar aggregate classification (germline): Uncertain significance (1 of 4 stars; one submission).

Conditions:
Adams-Oliver syndrome 5 (AOS5). Identifiers: Orphanet 974, MedGen C4014970, MONDO:0014459, OMIM 616028.

Submission:

Labcorp Genetics (formerly Invitae), Labcorp
Classification: Uncertain significance for Adams-Oliver syndrome 5. Last evaluated: 2024-10-23. Review status: criteria provided, single submitter. Criteria: Invitae Variant Classification Sherloc (09022015). Collection method: clinical testing. Allele origin: germline.
Comment: This sequence change replaces threonine, which is neutral and polar, with isoleucine, which is neutral and non-polar, at codon 1402 of the NOTCH1 protein (p.Thr1402Ile). This variant is not present in population databases (gnomAD no frequency). This variant has not been reported in the literature in individuals affected with NOTCH1-related conditions. Invitae Evidence Modeling of protein sequence and biophysical properties (such as structural, functional, and spatial information, amino acid conservation, physicochemical variation, residue mobility, and thermodynamic stability) indicates that this missense variant is not expected to disrupt NOTCH1 protein function with a negative predictive value of 80%. In summary, the available evidence is currently insufficient to determine the role of this variant in disease. Therefore, it has been classified as a Variant of Uncertain Significance.